The following is an entry in ClinVar:

ClinVar aggregate classification (germline): Uncertain significance (1 of 4 stars; one submission).

Submission:

Labcorp Genetics (formerly Invitae), Labcorp
Classification: Uncertain significance. Last evaluated: 2026-01-20. Review status: criteria provided, single submitter. Criteria: Invitae Variant Classification Sherloc (09022015). Collection method: clinical testing. Allele origin: germline.
Comment: This sequence change replaces glutamic acid, which is acidic and polar, with lysine, which is basic and polar, at codon 299 of the MYLK3 protein (p.Glu299Lys). This variant is not present in population databases (gnomAD no frequency). This variant has not been reported in the literature in individuals affected with MYLK3-related conditions. An algorithm developed to predict the effect of missense changes on protein structure and function (PolyPhen-2) suggests that this variant is likely to be tolerated. In summary, the available evidence is currently insufficient to determine the role of this variant in disease. Therefore, it has been classified as a Variant of Uncertain Significance.

NM_182493.3(MYLK3):c.895G>A (p.Glu299Lys)

Gene: MYLK3 (myosin light chain kinase 3; minus strand). Cytogenetic location: 16q11.2.
Variant type: single nucleotide variant.
Coding change: c.895G>A on transcript NM_182493.3 (MANE Select); coding-DNA position 895, G replaced by A.
Protein change: p.Glu299Lys; replaces glutamic acid 299 with lysine.
Molecular consequence: missense variant. On other transcripts: intron variant (1).
Genome position (GRCh38, 1-based): chr16:46,737,817, C>T on the plus strand (G>A on the coding strand, the complement: MYLK3 is on the minus strand). VCF-style: chr16-46737817-C-T. GRCh37 (hg19) VCF-style: chr16-46771729-C-T.
Other names: c.-23+2240G>A (NM_001308301.1); short protein forms E299K.
Identifiers: ClinVar variation 4735861 (VCV004735861.1).